The following is an entry in ClinVar:

NM_002471.4(MYH6):c.2637G>T (p.Met879Ile)

Gene: MYH6 (myosin heavy chain 6; minus strand). Cytogenetic location: 14q11.2.
Variant type: single nucleotide variant.
Coding change: c.2637G>T on transcript NM_002471.4 (MANE Select); coding-DNA position 2637, G replaced by T.
Protein change: p.Met879Ile; replaces methionine 879 with isoleucine.
Molecular consequence: missense variant.
Genome position (GRCh38, 1-based): chr14:23,394,116, C>A on the plus strand (G>T on the coding strand, the complement: MYH6 is on the minus strand). VCF-style: chr14-23394116-C-A. GRCh37 (hg19) VCF-style: chr14-23863325-C-A.
Other names: short protein forms M879I.
Identifiers: ClinVar variation 1794135 (VCV001794135.2), dbSNP rs746006714, ClinGen allele CA389013911.

ClinVar aggregate classification (germline): Uncertain significance (1 of 4 stars; one submission).

Conditions:
Cardiovascular phenotype. Identifiers: MedGen CN230736.

Submission:

Ambry Genetics
Classification: Uncertain significance for Cardiovascular phenotype. Last evaluated: 2022-09-13. Review status: criteria provided, single submitter. Criteria: Ambry Variant Classification Scheme 2023. Collection method: clinical testing. Allele origin: germline.
Comment: The p.M879I variant (also known as c.2637G>T), located in coding exon 19 of the MYH6 gene, results from a G to T substitution at nucleotide position 2637. The methionine at codon 879 is replaced by isoleucine, an amino acid with highly similar properties. This amino acid position is conserved. In addition, the in silico prediction for this alteration is inconclusive. Since supporting evidence is limited at this time, the clinical significance of this alteration remains unclear.